The following is an entry in ClinVar:

NM_006031.6(PCNT):c.1828T>C (p.Ser610Pro)

Gene: PCNT (pericentrin; plus strand). Cytogenetic location: 21q22.3.
Variant type: single nucleotide variant.
Coding change: c.1828T>C on transcript NM_006031.6 (MANE Select); coding-DNA position 1828, T replaced by C.
Protein change: p.Ser610Pro; replaces serine 610 with proline.
Molecular consequence: missense variant.
Genome position (GRCh38, 1-based): chr21:46,355,518, T>C. VCF-style: chr21-46355518-T-C. GRCh37 (hg19) VCF-style: chr21-47775433-T-C.
Other names: c.1474T>C, p.Ser492Pro (NM_001315529.2); c.1828T>C (NM_006031.5); short protein forms S610P, S492P.
Identifiers: ClinVar variation 1424113 (VCV001424113.6), dbSNP rs141582787, ClinGen allele CA10078779.

ClinVar aggregate classification (germline): Uncertain significance. Review status: criteria provided, single submitter (1 of 4 stars). 2 submissions from 2 submitters: Uncertain significance (1). 1 of the submissions does not count toward it. Last evaluated 2022-09-27.

Conditions:
PCNT-related disorder. Also called: PCNT-related condition.

Allele frequency attached by ClinVar (database versions not stated): gnomAD exomes 0.00001 and 0.00002; ExAC 0.00002; gnomAD 0.00008 and 0.00009; TOPMed 0.00008; ESP Exome Variant Server 0.00023.
gnomAD v4.1: 20 of 1,613,696 alleles (0.0012%); highest among the groups gnomAD compares: African/African-American, 0.024%; no homozygotes.

Submissions (2):

Labcorp Genetics (formerly Invitae), Labcorp
Classification: Uncertain significance. Last evaluated: 2022-09-27. Review status: criteria provided, single submitter. Criteria: Invitae Variant Classification Sherloc (09022015). Collection method: clinical testing. Allele origin: germline.
Comment: This sequence change replaces serine, which is neutral and polar, with proline, which is neutral and non-polar, at codon 610 of the PCNT protein (p.Ser610Pro). This variant is present in population databases (rs141582787, gnomAD 0.05%). This variant has not been reported in the literature in individuals affected with PCNT-related conditions. ClinVar contains an entry for this variant (Variation ID: 1424113). Algorithms developed to predict the effect of missense changes on protein structure and function are either unavailable or do not agree on the potential impact of this missense change (SIFT: "Deleterious"; PolyPhen-2: "Possibly Damaging"; Align-GVGD: "Class C0"). In summary, the available evidence is currently insufficient to determine the role of this variant in disease. Therefore, it has been classified as a Variant of Uncertain Significance.

PreventionGenetics, part of Exact Sciences
Classification: Uncertain significance for PCNT-related condition. Last evaluated: 2024-08-19. Review status: no assertion criteria provided. Collection method: clinical testing. Allele origin: germline. Not counted in ClinVar's aggregate classification.
Comment: The PCNT c.1828T>C variant is predicted to result in the amino acid substitution p.Ser610Pro. To our knowledge, this variant has not been reported in the literature. This variant is reported in 0.044% of alleles in individuals of African descent in gnomAD. At this time, the clinical significance of this variant is uncertain due to the absence of conclusive functional and genetic evidence.